The following is an entry in ClinVar:

ClinVar aggregate classification (germline): Conflicting classifications of pathogenicity. Review status: criteria provided, conflicting classifications (1 of 4 stars). 2 submissions from 2 submitters: Uncertain significance (1); Likely benign (1). Last evaluated 2024-09-24.

Conditions:
Hereditary cancer-predisposing syndrome. Also called: Hereditary Cancer Syndrome; Hereditary neoplastic syndrome; Neoplastic Syndromes, Hereditary; Tumor predisposition. Identifiers: Orphanet 140162, MedGen C0027672, MeSH D009386, MONDO:0015356.
Ataxia-telangiectasia syndrome (AT). Also called: Ataxia-telangiectasia, complementation group E; LOUIS-BAR SYNDROME; Cerebello-oculocutaneous telangiectasia; Immunodeficiency with ataxia telangiectasia; Ataxia-telangiectasia, complementation group D; AT, COMPLEMENTATION GROUP C. Identifiers: Orphanet 100, MedGen C0004135, MONDO:0008840, OMIM 208900.

Submissions (2):

Labcorp Genetics (formerly Invitae), Labcorp
Classification: Likely benign for Ataxia-telangiectasia syndrome. Last evaluated: 2024-09-24. Review status: criteria provided, single submitter. Criteria: Invitae Variant Classification Sherloc (09022015). Collection method: clinical testing. Allele origin: germline.

Color Diagnostics, LLC DBA Color Health
Classification: Uncertain significance for Hereditary cancer-predisposing syndrome. Last evaluated: 2019-09-24. Review status: criteria provided, single submitter. Criteria: ACMG Guidelines, 2015. Collection method: clinical testing. Allele origin: germline.
Comment: This variant causes a C>A nucleotide substitution at the -6 position of intron 19 of the ATM gene. To our knowledge, functional studies have not been performed for this variant. This variant has not been reported in individuals affected with hereditary cancer in the literature. This variant has not been identified in the general population by the Genome Aggregation Database (gnomAD). The available evidence is insufficient to determine the role of this variant in disease conclusively. Therefore, this variant is classified as a Variant of Uncertain Significance.

NM_000051.4(ATM):c.2922-6C>A

Gene: ATM (ATM serine/threonine kinase; plus strand). Cytogenetic location: 11q22.3.
Variant type: single nucleotide variant.
Coding change: c.2922-6C>A on transcript NM_000051.4 (MANE Select); 6 bases into the intron before coding-DNA position 2922, C replaced by A.
Molecular consequence: intron variant.
Genome position (GRCh38, 1-based): chr11:108,271,245, C>A. VCF-style: chr11-108271245-C-A. GRCh37 (hg19) VCF-style: chr11-108141972-C-A.
Other names: c.2922-6C>A (NM_001351834.2).
Identifiers: ClinVar variation 923511 (VCV000923511.5), dbSNP rs1346698280, ClinGen allele CA602132619.
Genomic context (GRCh38, chr11:108,271,245, plus strand): 5'-TTATAAAATAACTGATGTGTTCTGTTAAGCTTATAAAGTTGAACTTTTTTTTTTTTTTTA[C>A]CACAGCAATGTGTGTTCTTTGTATCGTCGTGACCAAGATGTTTGTAAAACTATTTTAAAC-3'